The following is an entry in ClinVar:

ClinVar aggregate classification (germline): Pathogenic (1 of 4 stars; one submission).

Conditions:
Mucopolysaccharidosis type 6 (MPS6). Also called: MPS VI; ARSB DEFICIENCY; ARYLSULFATASE B DEFICIENCY; N-ACETYLGALACTOSAMINE-4-SULFATASE DEFICIENCY; MPS 6; Maroteaux Lamy syndrome. Identifiers: Orphanet 583, MedGen C0026709, MONDO:0009661, OMIM 253200.

Submission:

Labcorp Genetics (formerly Invitae), Labcorp
Classification: Pathogenic for Mucopolysaccharidosis type 6. Last evaluated: 2022-01-19. Review status: criteria provided, single submitter. Criteria: Invitae Variant Classification Sherloc (09022015). Collection method: clinical testing. Allele origin: germline.
Comment: For these reasons, this variant has been classified as Pathogenic. This variant has not been reported in the literature in individuals affected with ARSB-related conditions. This variant is a gross deletion of the genomic region encompassing exon(s) 1-4 of the ARSB gene, which includes the initiator codon. This deletion extends beyond the assayed region for this gene and therefore may encompass additional genes. It is expected to result in an absent or disrupted protein product. Loss-of-function variants in ARSB are known to be pathogenic (PMID: 17458871, 22133300).

Literature cited by the submitters: PubMed 17458871; PubMed 22133300.

NC_000005.9:g.(?_78251108)_(78281081_?)del

Gene: ARSB (arylsulfatase B; minus strand). Cytogenetic location: 5q14.1.
Variant type: Deletion.
Identifiers: ClinVar variation 1460302 (VCV001460302.7).